The following is an entry in ClinVar:

NM_001040458.3(ERAP1):c.828A>G (p.Ile276Met)

Gene: ERAP1 (endoplasmic reticulum aminopeptidase 1; minus strand). Cytogenetic location: 5q15.
Variant type: single nucleotide variant.
Coding change: c.828A>G on transcript NM_001040458.3 (MANE Select); coding-DNA position 828, A replaced by G.
Protein change: p.Ile276Met; replaces isoleucine 276 with methionine.
Molecular consequence: missense variant.
Genome position (GRCh38, 1-based): chr5:96,795,133, T>C on the plus strand (A>G on the coding strand, the complement: ERAP1 is on the minus strand). VCF-style: chr5-96795133-T-C. GRCh37 (hg19) VCF-style: chr5-96130836-T-C.
Other names: c.828A>G, p.Ile276Met (NM_001198541.3, NM_001349244.2, NM_016442.5); short protein forms I276M.
Identifiers: ClinVar variation 2688460 (VCV002688460.2), dbSNP rs26618, ClinGen allele CA3352427.
Genomic context (GRCh38, chr5:96,795,133, plus strand): 5'-ATAATCCTCATAAAATTCTAGAAGAGTCACCGCAGCATCCAGTGCATAATCTGCTTGATT[T>C]ATCTTGTCTGGCACAGCATAAACAGAAACCTAAAGAGAAAGGCACAGAAAGGAATTCAAA-3'
Protein context (NP_001035548.1, residues 266-286): KVSVYAVPDK[Ile276Met]NQADYALDAA

ClinVar aggregate classification (germline): Benign (1 of 4 stars; one submission).

Allele frequency attached by ClinVar (database versions not stated): TOPMed 0.21512; ESP Exome Variant Server 0.21944; 1000 Genomes Project 30x 0.22252; gnomAD 0.22267; 1000 Genomes Project 0.22664; ExAC 0.22783.
gnomAD v4.1: 372,687 of 1,613,306 alleles (23%); highest among the groups gnomAD compares: East Asian, 26%; 43,473 homozygotes.

Submission:

Unidad de Genómica Garrahan, Hospital de Pediatría Garrahan
Classification: Benign. Last evaluated: 2024-01-24. Review status: criteria provided, single submitter. Criteria: ACMG Guidelines, 2015. Collection method: clinical testing. Allele origin: germline. Affected: no. Observed: 27 variant alleles.
Comment: This variant is classified as Benign based on local population frequency. This variant was detected in 31% of patients studied by a panel of primary immunodeficiencies. Number of patients: 27. Only high quality variants are reported.